The following is an entry in ClinVar:

NC_000021.8:g.(?_36111201)_(36265270_?)dup

Gene: RUNX1 (RUNX family transcription factor 1; minus strand). Cytogenetic location: 21q22.12.
Variant type: Duplication.
Identifiers: ClinVar variation 2424230 (VCV002424230.3).

ClinVar aggregate classification (germline): Uncertain significance (1 of 4 stars; one submission).

Conditions:
Hereditary thrombocytopenia and hematological cancer predisposition syndrome associated with RUNX1. Also called: Familial Platelet Disorder with Propensity to Acute Myelogenous Leukemia; Familial thrombocytopenia with propensity to acute myelogenous leukemia; PLATELET DISORDER, ASPIRIN-LIKE; RUNX1 Familial Platelet Disorder with Associated Myeloid Malignancies. Identifiers: Orphanet 71290, MedGen C1832388, MeSH C563324, MONDO:0100083, OMIM 601399.

Submission:

Labcorp Genetics (formerly Invitae), Labcorp
Classification: Uncertain significance for Hereditary thrombocytopenia and hematological cancer predisposition syndrome associated with RUNX1. Last evaluated: 2022-04-07. Review status: criteria provided, single submitter. Criteria: Invitae Variant Classification Sherloc (09022015). Collection method: clinical testing. Allele origin: germline.
Comment: This variant results in a copy number gain of the genomic region encompassing exon(s) 3-9 of the RUNX1 gene. While the exact position of this variant cannot be determined from the data, sub-genic copy number gains are generally in tandem (PMID: 25640679). This variant is predicted to be in-frame, and likely preserves the integrity of the reading frame. This variant has not been reported in the literature in individuals affected with RUNX1-related conditions. Experimental studies and prediction algorithms are not available or were not evaluated, and the functional significance of this variant is currently unknown. In summary, the available evidence is currently insufficient to determine the role of this variant in disease. Therefore, it has been classified as a Variant of Uncertain Significance.

Literature cited by the submitters: PubMed 25640679.